The following is an entry in ClinVar:

ClinVar aggregate classification (germline): Pathogenic (1 of 4 stars; one submission).

Submission:

Labcorp Genetics (formerly Invitae), Labcorp
Classification: Pathogenic. Last evaluated: 2017-11-09. Review status: criteria provided, single submitter. Criteria: Invitae Variant Classification Sherloc (09022015). Collection method: clinical testing. Allele origin: germline.
Comment: For these reasons, this variant has been classified as Pathogenic. Loss-of-function variants in FOXP2 are known to be pathogenic (PMID: 15877281, 16984964, 23918746). This variant has not been reported in the literature in individuals with FOXP2-related disease. This variant is not present in population databases (ExAC no frequency). This sequence change creates a premature translational stop signal (p.Leu261*) in the FOXP2 gene. It is expected to result in an absent or disrupted protein product.

Literature cited by the submitters: PubMed 15877281; PubMed 16984964; PubMed 23918746.

NM_014491.4(FOXP2):c.782del (p.Gly260_Leu261insTer)

Gene: FOXP2 (forkhead box P2; plus strand). Cytogenetic location: 7q31.1.
Variant type: Deletion.
Coding change: c.782del on transcript NM_014491.4 (MANE Select); coding-DNA position 782, one base deleted (T; older notation c.782delT).
Protein change: p.Gly260_Leu261insTer.
Molecular consequence: nonsense. On other transcripts: non-coding transcript variant (2).
Genome position (GRCh38, 1-based): chr7:114,642,416, T deleted; the last of 2 consecutive T bases (chr7:114,642,415-114,642,416); deleting either gives the same sequence. VCF-style (leftmost placement, unchanged base first): chr7-114642414-CT-C. GRCh37 (hg19) VCF-style: chr7-114282469-CT-C.
Other names: c.779del, p.Gly259_Leu260insTer (NM_001172766.3); c.857del, p.Gly285_Leu286insTer (NM_001172767.2, NM_148898.4); c.782del, p.Gly260_Leu261insTer (NM_148899.3); c.833del, p.Gly277_Leu278insTer (NM_148900.4).
Identifiers: ClinVar variation 1069693 (VCV001069693.7), dbSNP rs2129332878, ClinGen allele CA2499218660.
Genomic context (GRCh38, chr7:114,642,414, plus strand): 5'-TATATAAACTTTACCTTTACCTTGTTATGCTAGTGAAGCTTTCTTTCATTTTATAGCTGG[CT>C]TAAGTCCTGCTGAGATTCAGCAGTTATGGAAAGAAGTGACTGGAGTTCACAGTATGGAAG-3'